The following continues an entry in ClinVar:

NM_000059.4(BRCA2):c.5634C>G (p.Asn1878Lys)

Gene: BRCA2. ClinVar aggregate classification (germline): Benign. Benign (1).

Submission 17 of 17:

Department of Pathology and Laboratory Medicine, Sinai Health System
Classification: Uncertain significance for Malignant tumor of breast. Review status: no assertion criteria provided. Collection method: clinical testing. Allele origin: unknown. Affected: yes. Observed: 1 variant allele. Study: The Canadian Open Genetics Repository (COGR). Not counted in ClinVar's aggregate classification.
Comment: The BRCA2 p.Asn1878Lys variant was identified in 3 of 4892 proband chromosomes (frequency: 0.001) from individuals with case of breast cancer (Balia 2011, Capanu 2011). The variant was reported in dbSNP(ID: rs80358784) â€šÃ„ÃºWith unknown alleleâ€šÃ„Ã¹; however, the only frequency information available was from the â€šÃ„ÃºClinSeq projectâ€šÃ„Ã¹ where the variant was found in one out of 662 participants (allele frequency: 0.001). The variant was identified eight times in UMD as an unclassified variant, and was also reported in the LOVD and HGMD databases. The p.Asn1878 residue is not conserved in mammals and computational analyses (PolyPhen-2, SIFT, AlignGVGD) do not suggest a high likelihood of impact of the variant amino acid (Lys) to the protein. However, this information is not predictive enough to rule out pathogenicity. Loss of heterozygosity analysis of tumours from patients with the variant noted an absence of loss of heterozygosity in one study (Balia 2011); however, in another study the variant allele was lost, providing evidence for neutrality (Spearman 2008). Two assays evaluating homologous recombination activity of the variant yielded conflicting results. In a yeast-based assay, Spugnesi (2013) suggests that the variant may not be deleterious as it conferred a phenotype similar to wildtype. However, in a HeLa cell-based assay, the variant had a level of spontaneous homologous recombination similar to a known deleterious mutation, suggesting that the variant may be pathogenic (Balia 2011). Segregation and/or additional functional studies are recommended to further elucidate the pathogenicity of this variant. In summary, based on the above information, the clinical significance of this variant cannot be determined with certainty at this time. This variant is classified as a variant of unknown significance.

Literature cited by the submitters: PubMed 31131967 (cited by 4 submitters); PubMed 20104584 (cited by 3 submitters); PubMed 18824701 (cited by 3 submitters); PubMed 21520273 (cited by 3 submitters); PubMed 24323938 (cited by Women's Health and Genetics/Laboratory Corporation of America, LabCorp and Quest Diagnostics Nichols Institute San Juan Capistrano); PubMed 22476429 (cited by 4 submitters); PubMed 21671020 (cited by 4 submitters); PubMed 23328489 (cited by 4 submitters); PubMed 25682074 (cited by 4 submitters); PubMed 25782689 (cited by Women's Health and Genetics/Laboratory Corporation of America, LabCorp and Quest Diagnostics Nichols Institute San Juan Capistrano); PubMed 25225064 (cited by 3 submitters); PubMed 26317927 (cited by 3 submitters); PubMed 29360161 (cited by 3 submitters); PubMed 34597585 (cited by Women's Health and Genetics/Laboratory Corporation of America, LabCorp and Quest Diagnostics Nichols Institute San Juan Capistrano); PubMed 34326862 (cited by Women's Health and Genetics/Laboratory Corporation of America, LabCorp); PubMed 32438681 (cited by Quest Diagnostics Nichols Institute San Juan Capistrano and Sema4); PubMed 32444794 (cited by Quest Diagnostics Nichols Institute San Juan Capistrano and Sema4); PubMed 33471991 (cited by Quest Diagnostics Nichols Institute San Juan Capistrano and Sema4).